The following is an entry in ClinVar:

ClinVar aggregate classification (germline): Benign/Likely benign. Review status: criteria provided, multiple submitters, no conflicts (2 of 4 stars). 4 submissions from 4 submitters: Benign (1); Likely benign (3). Last evaluated 2025-01-03.

Conditions:
Hereditary nonpolyposis colorectal neoplasms. Identifiers: MedGen C0009405, MeSH D003123.
Hereditary cancer-predisposing syndrome. Also called: Tumor predisposition; Hereditary Cancer Syndrome; Neoplastic Syndromes, Hereditary; Hereditary neoplastic syndrome. Identifiers: Orphanet 140162, MedGen C0027672, MeSH D009386, MONDO:0015356.
Lynch syndrome 5 (LYNCH5). Also called: Colorectal cancer, hereditary nonpolyposis, type 5; Hereditary non-polyposis colorectal cancer, type 5. Identifiers: Orphanet 144, MedGen C1833477, MONDO:0013710, OMIM 614350. Disease mechanism: loss of function.

Submissions (4):

Myriad Genetics, Inc.
Classification: Benign for Lynch syndrome 5. Last evaluated: 2025-01-03. Review status: criteria provided, single submitter. Criteria: Myriad Autosomal Dominant, Autosomal Recessive and X-Linked Classification Criteria (2023). Collection method: clinical testing. Allele origin: unknown.
Comment: This variant is considered benign. This variant is a silent/synonymous amino acid change and it is not expected to impact splicing.

Labcorp Genetics (formerly Invitae), Labcorp
Classification: Likely benign for Hereditary nonpolyposis colorectal neoplasms. Last evaluated: 2022-08-09. Review status: criteria provided, single submitter. Criteria: Invitae Variant Classification Sherloc (09022015). Collection method: clinical testing. Allele origin: germline.

Color Diagnostics, LLC DBA Color Health
Classification: Likely benign for Hereditary cancer-predisposing syndrome. Last evaluated: 2022-05-31. Review status: criteria provided, single submitter. Criteria: ACMG Guidelines, 2015. Collection method: clinical testing. Allele origin: germline.

Ambry Genetics
Classification: Likely benign for Hereditary cancer-predisposing syndrome. Last evaluated: 2021-10-20. Review status: criteria provided, single submitter. Criteria: Ambry Variant Classification Scheme 2023. Collection method: clinical testing. Allele origin: germline.

NM_000179.3(MSH6):c.2854C>T (p.Leu952=)

Gene: MSH6 (mutS homolog 6; plus strand). Cytogenetic location: 2p16.3.
Variant type: single nucleotide variant.
Coding change: c.2854C>T on transcript NM_000179.3 (MANE Select); coding-DNA position 2854, C replaced by T.
Protein change: p.Leu952=; no amino-acid change (leucine 952 retained).
Molecular consequence: synonymous variant. On other transcripts: non-coding transcript variant (5), intron variant (2).
Genome position (GRCh38, 1-based): chr2:47,800,837, C>T. VCF-style: chr2-47800837-C-T. GRCh37 (hg19) VCF-style: chr2-48027976-C-T.
Other names: c.2464C>T, p.Leu822= (NM_001281492.2); c.1948C>T, p.Leu650= (NM_001281493.2, NM_001281494.2, NM_001406811.1 and 6 more transcripts); c.2950C>T, p.Leu984= (NM_001406795.1, NM_001406802.1); c.2854C>T, p.Leu952= (NM_001406796.1, NM_001406798.1, NM_001406800.1 and 2 more transcripts); c.2557C>T, p.Leu853= (NM_001406797.1, NM_001406801.1, NM_001406805.1 and 10 more transcripts); c.2329C>T, p.Leu777= (NM_001406799.1, NM_001406806.1, NM_001406807.1); c.2776C>T, p.Leu926= (NM_001406804.1); c.2860C>T, p.Leu954= (NM_001406813.1); and 4 more.
Identifiers: ClinVar variation 1796878 (VCV001796878.10), dbSNP rs1166644274, ClinGen allele CA426121949.